The following is an entry in ClinVar:

NC_000008.11:g.(?_99481579)_(99721067_?)del

Gene: VPS13B (vacuolar protein sorting 13 homolog B; plus strand). Cytogenetic location: 8q22.2.
Variant type: Deletion.
Identifiers: ClinVar variation 832137 (VCV000832137.7).

ClinVar aggregate classification (germline): Pathogenic (1 of 4 stars; one submission).

Conditions:
Cohen syndrome (COH1). Also called: Cutis verticis gyrata, retinitis pigmentosa, and sensorineural deafness; PEPPER SYNDROME. Identifiers: Orphanet 193, MedGen C0265223, MONDO:0008999, OMIM 216550.

Submission:

Labcorp Genetics (formerly Invitae), Labcorp
Classification: Pathogenic for Cohen syndrome. Last evaluated: 2019-10-08. Review status: criteria provided, single submitter. Criteria: Invitae Variant Classification Sherloc (09022015). Collection method: clinical testing. Allele origin: germline.
Comment: For these reasons, this variant has been classified as Pathogenic. A similar deletion has not been reported in the literature in individuals with VPS13B-related conditions. Sub-genic deletion of exon 35 has been determined to be pathogenic (Invitae). Therefore, deletions that fully encompass that region are also expected to be pathogenic. This variant is an in-frame deletion of the genomic region encompassing exons 25-39 of the VPS13B gene. It preserves the integrity of the reading frame.